The following is an entry in ClinVar:

NM_015331.3(NCSTN):c.230A>G (p.Glu77Gly)

Gene: NCSTN (nicastrin; plus strand). Cytogenetic location: 1q23.2.
Variant type: single nucleotide variant.
Coding change: c.230A>G on transcript NM_015331.3 (MANE Select); coding-DNA position 230, A replaced by G.
Protein change: p.Glu77Gly; replaces glutamic acid 77 with glycine.
Molecular consequence: missense variant.
Genome position (GRCh38, 1-based): chr1:160,349,038, A>G. VCF-style: chr1-160349038-A-G. GRCh37 (hg19) VCF-style: chr1-160318828-A-G.
Other names: c.170A>G, p.Glu57Gly (NM_001290184.2); c.230A>G, p.Glu77Gly (NM_001290186.2, NM_001349729.2); c.230A>G (NM_015331.2); short protein forms E57G, E77G.
Identifiers: ClinVar variation 2909472 (VCV002909472.4), dbSNP rs2525516672, ClinGen allele CA343276548.
Genomic context (GRCh38, chr1:160,349,038, plus strand): 5'-TGACTCATTCTGTCCTGGCAGCTTCAATTAGTGGAGACACAGGGGTTATCCACGTAGTAG[A>G]GAAAGAGGAGGACCTACAGTGGGTATTGACTGATGGCCCCAACCCCCCTTACATGGTTCT-3'
Protein context (NP_056146.1, residues 67-87): SGDTGVIHVV[Glu77Gly]KEEDLQWVLT

ClinVar aggregate classification (germline): Uncertain significance. Review status: criteria provided, multiple submitters, no conflicts (2 of 4 stars). 2 submissions from 2 submitters: Uncertain significance (2). Last evaluated 2026-02-16.

Conditions:
Inborn genetic diseases. Identifiers: MedGen C0950123, MeSH D030342.

Submissions (2):

Ambry Genetics
Classification: Uncertain significance for Inborn genetic diseases. Last evaluated: 2026-02-16. Review status: criteria provided, single submitter. Criteria: Ambry Variant Classification Scheme 2023. Collection method: clinical testing. Allele origin: germline.

Labcorp Genetics (formerly Invitae), Labcorp
Classification: Uncertain significance. Last evaluated: 2025-01-06. Review status: criteria provided, single submitter. Criteria: Invitae Variant Classification Sherloc (09022015). Collection method: clinical testing. Allele origin: germline.
Comment: This sequence change replaces glutamic acid, which is acidic and polar, with glycine, which is neutral and non-polar, at codon 77 of the NCSTN protein (p.Glu77Gly). This variant is not present in population databases (gnomAD no frequency). This variant has not been reported in the literature in individuals affected with NCSTN-related conditions. ClinVar contains an entry for this variant (Variation ID: 2909472). Invitae Evidence Modeling of protein sequence and biophysical properties (such as structural, functional, and spatial information, amino acid conservation, physicochemical variation, residue mobility, and thermodynamic stability) indicates that this missense variant is expected to disrupt NCSTN protein function with a positive predictive value of 80%. Algorithms developed to predict the effect of sequence changes on RNA splicing suggest that this variant may disrupt the consensus splice site. In summary, the available evidence is currently insufficient to determine the role of this variant in disease. Therefore, it has been classified as a Variant of Uncertain Significance.